The following is an entry in ClinVar:

NM_005051.3(QARS1):c.1582C>G (p.Pro528Ala)

Gene: QARS1 (glutaminyl-tRNA synthetase 1; minus strand). Cytogenetic location: 3p21.31.
Variant type: single nucleotide variant.
Coding change: c.1582C>G on transcript NM_005051.3 (MANE Select); coding-DNA position 1582, C replaced by G.
Protein change: p.Pro528Ala; replaces proline 528 with alanine.
Molecular consequence: missense variant. On other transcripts: non-coding transcript variant (1).
Genome position (GRCh38, 1-based): chr3:49,099,376, G>C on the plus strand (C>G on the coding strand, the complement: QARS1 is on the minus strand). VCF-style: chr3-49099376-G-C. GRCh37 (hg19) VCF-style: chr3-49136809-G-C.
Other names: c.1549C>G, p.Pro517Ala (NM_001272073.2); short protein forms P517A, P528A.
Identifiers: ClinVar variation 2017058 (VCV002017058.4), dbSNP rs1559967000, ClinGen allele CA352704882.

ClinVar aggregate classification (germline): Uncertain significance (1 of 4 stars; one submission).

Conditions:
Diffuse cerebral and cerebellar atrophy - intractable seizures - progressive microcephaly syndrome. Also called: Microcephaly, progressive, with seizures and cerebral and cerebellar atrophy. Identifiers: Orphanet 404437, MedGen C4014239, MONDO:0014335, OMIM 615760.

Submission:

Labcorp Genetics (formerly Invitae), Labcorp
Classification: Uncertain significance for Diffuse cerebral and cerebellar atrophy - intractable seizures - progressive microcephaly syndrome. Last evaluated: 2022-07-14. Review status: criteria provided, single submitter. Criteria: Invitae Variant Classification Sherloc (09022015). Collection method: clinical testing. Allele origin: germline.
Comment: This sequence change replaces proline, which is neutral and non-polar, with alanine, which is neutral and non-polar, at codon 528 of the QARS protein (p.Pro528Ala). This variant is not present in population databases (gnomAD no frequency). This variant has not been reported in the literature in individuals affected with QARS-related conditions. Algorithms developed to predict the effect of missense changes on protein structure and function (SIFT, PolyPhen-2, Align-GVGD) all suggest that this variant is likely to be disruptive. In summary, the available evidence is currently insufficient to determine the role of this variant in disease. Therefore, it has been classified as a Variant of Uncertain Significance.